The following is an entry in ClinVar:

ClinVar aggregate classification (germline): Pathogenic (0 of 4 stars; one submission).

Conditions:
OTX2-related disorder. Also called: OTX2-related disorders; OTX2-related condition.

Submission:

PreventionGenetics, part of Exact Sciences
Classification: Pathogenic for OTX2-related condition. Last evaluated: 2024-02-19. Review status: no assertion criteria provided. Collection method: clinical testing. Allele origin: germline.
Comment: The OTX2 c.141_144delGGCG variant is predicted to result in a frameshift and premature protein termination (p.Ala48Serfs*2). To our knowledge, this variant has not been reported in the literature or in a large population database, indicating this variant is rare. Frameshift variants in OTX2 are an established mechanism of disease. Given the evidence, we interpret this variant as pathogenic.

NM_021728.4(OTX2):c.165_168del (p.Ala56fs)

Gene: OTX2 (orthodenticle homeobox 2; minus strand). Cytogenetic location: 14q22.3.
Variant type: Deletion.
Coding change: c.165_168del on transcript NM_021728.4 (MANE Select); coding-DNA positions 165 to 168, 4 bases deleted (GGCG; older notation c.165_168delGGCG).
Protein change: p.Ala56fs; shifts the reading frame from alanine 56.
Molecular consequence: frameshift variant.
Genome position (GRCh38, 1-based): chr14:56,804,293-56,804,296, CGCC deleted on the plus strand (GGCG on the coding strand, the reverse complement: OTX2 is on the minus strand); deleting any 4 consecutive bases within chr14:56,804,293-56,804,298 gives the same sequence; the c. name uses the placement nearest the transcript's 3' end. VCF-style (leftmost placement, unchanged base first): chr14-56804292-GCGCC-G. GRCh37 (hg19) VCF-style: chr14-57271010-GCGCC-G.
Other names: c.141_144del, p.Ala48fs (NM_001270523.2, NM_001270524.2, NM_172337.3); c.165_168del, p.Ala56fs (NM_001270525.2); short protein forms A48fs, A56fs.
Identifiers: ClinVar variation 3061159 (VCV003061159.2), dbSNP rs2503907965, ClinGen allele CA2740097079.
Genomic context (GRCh38, chr14:56,804,292, plus strand): 5'-CTCGCATGAAGATGTCTGGGTACCGGGTCTTGGCAAACAGTGCTTCCAGCACATCTAGCT[GCGCC>G]CGAGTGAACGTCGTCCTCTCCCGGCGCTGTTTCCGGGGGGTGGCTGCGGGACAAGAAGCC-3'